The following is an entry in ClinVar:

NM_015073.3(SIPA1L3):c.1624G>A (p.Gly542Arg)

Gene: SIPA1L3 (signal induced proliferation associated 1 like 3; plus strand). Cytogenetic location: 19q13.13.
Variant type: single nucleotide variant.
Coding change: c.1624G>A on transcript NM_015073.3 (MANE Select); coding-DNA position 1624, G replaced by A.
Protein change: p.Gly542Arg; replaces glycine 542 with arginine.
Molecular consequence: missense variant.
Genome position (GRCh38, 1-based): chr19:38,088,810, G>A. VCF-style: chr19-38088810-G-A. GRCh37 (hg19) VCF-style: chr19-38579450-G-A.
Other names: short protein forms G542R.
Identifiers: ClinVar variation 2070296 (VCV002070296.4), dbSNP rs138402310, ClinGen allele CA9409429.

ClinVar aggregate classification (germline): Uncertain significance (1 of 4 stars; one submission).

Allele frequency attached by ClinVar (database versions not stated): 1000 Genomes Project 30x 0.00016; 1000 Genomes Project 0.00020; ExAC 0.00065; gnomAD 0.00073; TOPMed 0.00080; ESP Exome Variant Server 0.00115.
gnomAD v4.1: 1,461 of 1,614,056 alleles (0.091%); highest among the groups gnomAD compares: Non-Finnish European, 0.11%; 1 homozygote.

Submission:

Labcorp Genetics (formerly Invitae), Labcorp
Classification: Uncertain significance. Last evaluated: 2025-04-26. Review status: criteria provided, single submitter. Criteria: Invitae Variant Classification Sherloc (09022015). Collection method: clinical testing. Allele origin: germline.
Comment: This sequence change replaces glycine, which is neutral and non-polar, with arginine, which is basic and polar, at codon 542 of the SIPA1L3 protein (p.Gly542Arg). This variant is present in population databases (rs138402310, gnomAD 0.1%), and has an allele count higher than expected for a pathogenic variant. This variant has not been reported in the literature in individuals affected with SIPA1L3-related conditions. ClinVar contains an entry for this variant (Variation ID: 2070296). An algorithm developed to predict the effect of missense changes on protein structure and function (PolyPhen-2) suggests that this variant is likely to be disruptive. In summary, the available evidence is currently insufficient to determine the role of this variant in disease. Therefore, it has been classified as a Variant of Uncertain Significance.